The following is an entry in ClinVar:

NM_001042492.3(NF1):c.3953G>C (p.Ser1318Thr)

Gene: NF1 (neurofibromin 1; plus strand). Cytogenetic location: 17q11.2.
Variant type: single nucleotide variant.
Coding change: c.3953G>C on transcript NM_001042492.3 (MANE Select); coding-DNA position 3953, G replaced by C.
Protein change: p.Ser1318Thr; replaces serine 1318 with threonine.
Molecular consequence: missense variant.
Genome position (GRCh38, 1-based): chr17:31,236,000, G>C. VCF-style: chr17-31236000-G-C. GRCh37 (hg19) VCF-style: chr17-29563018-G-C.
Other names: c.3953G>C, p.Ser1318Thr (NM_000267.4); short protein forms S1318T.
Identifiers: ClinVar variation 1736459 (VCV001736459.5), dbSNP rs587781900, ClinGen allele CA398993274.
Genomic context (GRCh38, chr17:31,236,000, plus strand): 5'-AAAAACTCCTGGATCCTTTATTACGAATTGTGATCACATCCTCTGATTGGCAACATGTTA[G>C]CTTTGAAGTGGATCCTACCAGGTTTGTCATCTTTTCACATAGAACCGCTGTTTTTTGTTT-3'
Protein context (NP_001035957.1, residues 1308-1328): VITSSDWQHV[Ser1318Thr]FEVDPTRLEP

ClinVar aggregate classification (germline): Uncertain significance. Review status: criteria provided, multiple submitters, no conflicts (2 of 4 stars). 2 submissions from 2 submitters: Uncertain significance (2). Last evaluated 2023-06-02.

Conditions:
Cardiovascular phenotype. Identifiers: MedGen CN230736.
Hereditary cancer-predisposing syndrome. Also called: Neoplastic Syndromes, Hereditary; Tumor predisposition; Hereditary Cancer Syndrome; Hereditary neoplastic syndrome. Identifiers: Orphanet 140162, MedGen C0027672, MeSH D009386, MONDO:0015356.
Neurofibromatosis, type 1 (NF1). Also called: VON RECKLINGHAUSEN DISEASE; NEUROFIBROMATOSIS, TYPE I, SOMATIC; Neurofibromatosis, type I; Peripheral type neurofibromatosis. Identifiers: Orphanet 636, MedGen C0027831, MONDO:0018975, OMIM 162200. Disease mechanism: loss of function.

Allele frequency attached by ClinVar (database versions not stated): gnomAD exomes below 0.00001.
gnomAD v4.1: 1 of 1,613,328 alleles (0.000062%); highest among the groups gnomAD compares: Non-Finnish European, 0.000085%; no homozygotes.

Submissions (2):

Labcorp Genetics (formerly Invitae), Labcorp
Classification: Uncertain significance for Neurofibromatosis, type 1. Last evaluated: 2023-06-02. Review status: criteria provided, single submitter. Criteria: Invitae Variant Classification Sherloc (09022015). Collection method: clinical testing. Allele origin: germline.
Comment: This sequence change replaces serine, which is neutral and polar, with threonine, which is neutral and polar, at codon 1318 of the NF1 protein (p.Ser1318Thr). This variant is not present in population databases (gnomAD no frequency). This variant has not been reported in the literature in individuals affected with NF1-related conditions. ClinVar contains an entry for this variant (Variation ID: 1736459). Advanced modeling of protein sequence and biophysical properties (such as structural, functional, and spatial information, amino acid conservation, physicochemical variation, residue mobility, and thermodynamic stability) performed at Invitae indicates that this missense variant is expected to disrupt NF1 protein function. In summary, the available evidence is currently insufficient to determine the role of this variant in disease. Therefore, it has been classified as a Variant of Uncertain Significance.

Ambry Genetics
Classification: Uncertain significance for Cardiovascular phenotype; Hereditary cancer-predisposing syndrome. Last evaluated: 2022-06-11. Review status: criteria provided, single submitter. Criteria: Ambry Variant Classification Scheme 2023. Collection method: clinical testing. Allele origin: germline.
Comment: The p.S1318T variant (also known as c.3953G>C), located in coding exon 29 of the NF1 gene, results from a G to C substitution at nucleotide position 3953. The serine at codon 1318 is replaced by threonine, an amino acid with similar properties. This amino acid position is conserved. In addition, the in silico prediction for this alteration is inconclusive. Since supporting evidence is limited at this time, the clinical significance of this alteration remains unclear.